The following is an entry in ClinVar:

NM_152383.5(DIS3L2):c.1453A>G (p.Ile485Val)

Gene: DIS3L2 (DIS3 like 3'-5' exoribonuclease 2; plus strand). Cytogenetic location: 2q37.1.
Variant type: single nucleotide variant.
Coding change: c.1453A>G on transcript NM_152383.5 (MANE Select); coding-DNA position 1453, A replaced by G.
Protein change: p.Ile485Val; replaces isoleucine 485 with valine.
Molecular consequence: missense variant. On other transcripts: non-coding transcript variant (2).
Genome position (GRCh38, 1-based): chr2:232,263,234, A>G. VCF-style: chr2-232263234-A-G. GRCh37 (hg19) VCF-style: chr2-233127944-A-G.
Other names: c.1453A>G, p.Ile485Val (NM_001257281.2); short protein forms I485V.
Identifiers: ClinVar variation 1003428 (VCV001003428.8), dbSNP rs910381841, ClinGen allele CA66901296.

ClinVar aggregate classification (germline): Uncertain significance (1 of 4 stars; one submission).

Conditions:
Perlman syndrome (PRLMNS). Identifiers: Orphanet 2849, MedGen C0796113, MONDO:0009965, OMIM 267000.

Allele frequency attached by ClinVar (database versions not stated): gnomAD exomes 0.00001.
gnomAD v4.1: 8 of 1,614,222 alleles (0.0005%); highest among the groups gnomAD compares: South Asian, 0.0011%; no homozygotes.

Submission:

Labcorp Genetics (formerly Invitae), Labcorp
Classification: Uncertain significance for Perlman syndrome. Last evaluated: 2023-04-19. Review status: criteria provided, single submitter. Criteria: Invitae Variant Classification Sherloc (09022015). Collection method: clinical testing. Allele origin: germline.
Comment: In summary, the available evidence is currently insufficient to determine the role of this variant in disease. Therefore, it has been classified as a Variant of Uncertain Significance. Advanced modeling of protein sequence and biophysical properties (such as structural, functional, and spatial information, amino acid conservation, physicochemical variation, residue mobility, and thermodynamic stability) performed at Invitae indicates that this missense variant is not expected to disrupt DIS3L2 protein function. ClinVar contains an entry for this variant (Variation ID: 1003428). This variant has not been reported in the literature in individuals affected with DIS3L2-related conditions. This variant is present in population databases (no rsID available, gnomAD 0.004%). This sequence change replaces isoleucine, which is neutral and non-polar, with valine, which is neutral and non-polar, at codon 485 of the DIS3L2 protein (p.Ile485Val).